The following is an entry in ClinVar:

ClinVar aggregate classification (germline): Uncertain significance (1 of 4 stars; one submission).

Submission:

GeneDx
Classification: Uncertain significance. Last evaluated: 2026-01-23. Review status: criteria provided, single submitter. Criteria: GeneDx Variant Classification Process June 2021. Collection method: clinical testing. Allele origin: germline.
Comment: Not observed at significant frequency in large population cohorts (gnomAD); In silico analysis supports that this missense variant has a deleterious effect on protein structure/function; Has not been previously published as pathogenic or benign to our knowledge; This variant is associated with the following publications: (PMID: 26503042, 26138142, 25168514)

NM_002047.4(GARS1):c.1797T>A (p.Asp599Glu)

Gene: GARS1 (glycyl-tRNA synthetase 1; plus strand). Cytogenetic location: 7p14.3.
Variant type: single nucleotide variant.
Coding change: c.1797T>A on transcript NM_002047.4 (MANE Select); coding-DNA position 1797, T replaced by A.
Protein change: p.Asp599Glu; replaces aspartic acid 599 with glutamic acid.
Molecular consequence: missense variant.
Genome position (GRCh38, 1-based): chr7:30,628,657, T>A. VCF-style: chr7-30628657-T-A. GRCh37 (hg19) VCF-style: chr7-30668273-T-A.
Other names: c.1635T>A, p.Asp545Glu (NM_001316772.1); short protein forms D545E, D599E.
Identifiers: ClinVar variation 4975276 (VCV004975276.1).